The following is an entry in ClinVar:

ClinVar aggregate classification (germline): Uncertain significance (1 of 4 stars; one submission).

Submission:

GeneDx
Classification: Uncertain significance. Last evaluated: 2026-04-07. Review status: criteria provided, single submitter. Criteria: GeneDx Variant Classification Process June 2021. Collection method: clinical testing. Allele origin: germline.
Comment: Not observed at significant frequency in large population cohorts (gnomAD); Has not been previously published as pathogenic or benign to our knowledge; In silico analysis does not support a benign or deleterious effect of this variant on protein structure/function

NM_001372044.2(SHANK3):c.1738G>A (p.Glu580Lys)

Gene: SHANK3 (SH3 and multiple ankyrin repeat domains 3; plus strand). Cytogenetic location: 22q13.33.
Variant type: single nucleotide variant.
Coding change: c.1738G>A on transcript NM_001372044.2 (MANE Select); coding-DNA position 1738, G replaced by A.
Protein change: p.Glu580Lys; replaces glutamic acid 580 with lysine.
Molecular consequence: missense variant.
Genome position (GRCh38, 1-based): chr22:50,698,704, G>A. VCF-style: chr22-50698704-G-A. GRCh37 (hg19) VCF-style: chr22-51137132-G-A.
Other names: c.1513G>A (NM_033517.1); short protein forms E580K.
Identifiers: ClinVar variation 5018313 (VCV005018313.1).